The following is an entry in ClinVar:

NM_001166114.2(PNPLA6):c.1538C>T (p.Ser513Phe)

Gene: PNPLA6 (patatin like domain 6, lysophospholipase; plus strand). Cytogenetic location: 19p13.2.
Variant type: single nucleotide variant.
Coding change: c.1538C>T on transcript NM_001166114.2 (MANE Select); coding-DNA position 1538, C replaced by T.
Protein change: p.Ser513Phe; replaces serine 513 with phenylalanine.
Molecular consequence: missense variant. On other transcripts: intron variant (1).
Genome position (GRCh38, 1-based): chr19:7,543,014, C>T. VCF-style: chr19-7543014-C-T. GRCh37 (hg19) VCF-style: chr19-7607900-C-T.
Other names: c.1565C>T, p.Ser522Phe (NM_001166111.2); c.1421C>T, p.Ser474Phe (NM_001166113.1, NM_006702.5); c.1413+86C>T (NM_001166112.2); short protein forms S474F, S513F, S522F.
Identifiers: ClinVar variation 1007020 (VCV001007020.7), dbSNP rs1351660925, ClinGen allele CA403114708.

ClinVar aggregate classification (germline): Uncertain significance. Review status: criteria provided, multiple submitters, no conflicts (2 of 4 stars). 2 submissions from 2 submitters: Uncertain significance (2). Last evaluated 2023-12-22.

Conditions:
Hereditary spastic paraplegia 39 (SPG39). Also called: Spastic Paraplegia Type 39 (SPG39); SPASTIC PARAPLEGIA 39, AUTOSOMAL RECESSIVE. Identifiers: Orphanet 139480, MedGen C2677586, MONDO:0012787, OMIM 612020.

Allele frequency attached by ClinVar (database versions not stated): gnomAD 0.00001; gnomAD exomes 0.00002; TOPMed 0.00002.
gnomAD v4.1: 10 of 1,613,880 alleles (0.00062%); highest among the groups gnomAD compares: Admixed American, 0.015%; no homozygotes.

Submissions (2):

Labcorp Genetics (formerly Invitae), Labcorp
Classification: Uncertain significance for Hereditary spastic paraplegia 39. Last evaluated: 2023-12-22. Review status: criteria provided, single submitter. Criteria: Invitae Variant Classification Sherloc (09022015). Collection method: clinical testing. Allele origin: germline.
Comment: This sequence change replaces serine, which is neutral and polar, with phenylalanine, which is neutral and non-polar, at codon 474 of the PNPLA6 protein (p.Ser474Phe). This variant is present in population databases (no rsID available, gnomAD 0.01%). This variant has not been reported in the literature in individuals affected with PNPLA6-related conditions. ClinVar contains an entry for this variant (Variation ID: 1007020). Advanced modeling of protein sequence and biophysical properties (such as structural, functional, and spatial information, amino acid conservation, physicochemical variation, residue mobility, and thermodynamic stability) has been performed at Invitae for this missense variant, however the output from this modeling did not meet the statistical confidence thresholds required to predict the impact of this variant on PNPLA6 protein function. In summary, the available evidence is currently insufficient to determine the role of this variant in disease. Therefore, it has been classified as a Variant of Uncertain Significance.

GeneDx
Classification: Uncertain significance. Last evaluated: 2022-02-11. Review status: criteria provided, single submitter. Criteria: GeneDx Variant Classification Process June 2021. Collection method: clinical testing. Allele origin: germline. Affected: yes.
Comment: Not observed at significant frequency in large population cohorts (gnomAD); In silico analysis supports that this missense variant has a deleterious effect on protein structure/function; Has not been previously published as pathogenic or benign to our knowledge